The following is an entry in ClinVar:

NM_003611.3(OFD1):c.1141C>G (p.His381Asp)

Gene: OFD1 (OFD1 centriole and centriolar satellite protein; plus strand). Cytogenetic location: Xp22.2.
Variant type: single nucleotide variant.
Coding change: c.1141C>G on transcript NM_003611.3 (MANE Select); coding-DNA position 1141, C replaced by G.
Protein change: p.His381Asp; replaces histidine 381 with aspartic acid.
Molecular consequence: missense variant.
Genome position (GRCh38, 1-based): chrX:13,755,162, C>G. VCF-style: chrX-13755162-C-G. GRCh37 (hg19) VCF-style: chrX-13773281-C-G.
Other names: c.1021C>G, p.His341Asp (NM_001330209.2); c.721C>G, p.His241Asp (NM_001330210.2); short protein forms H381D, H241D, H341D.
Identifiers: ClinVar variation 2089667 (VCV002089667.4), dbSNP rs988204308, ClinGen allele CA412342234.

ClinVar aggregate classification (germline): Uncertain significance (1 of 4 stars; one submission).

Conditions:
Joubert syndrome. Also called: CEREBELLOPARENCHYMAL DISORDER IV; JOUBERT-BOLTSHAUSER SYNDROME; Familial aplasia of the vermis. Identifiers: Orphanet 475, MedGen C5979921, MONDO:0018772.
Orofaciodigital syndrome I (OFD1). Also called: OFDS I; Papillon-Leage and Psaume Syndrome; Oral-Facial-Digital Syndrome Type I. Identifiers: Orphanet 2750, MedGen C1510460, MONDO:0010702, OMIM 311200.

Submission:

Labcorp Genetics (formerly Invitae), Labcorp
Classification: Uncertain significance for Orofaciodigital syndrome I; Joubert syndrome. Last evaluated: 2022-07-29. Review status: criteria provided, single submitter. Criteria: Invitae Variant Classification Sherloc (09022015). Collection method: clinical testing. Allele origin: germline.
Comment: This sequence change replaces histidine, which is basic and polar, with aspartic acid, which is acidic and polar, at codon 381 of the OFD1 protein (p.His381Asp). This variant is not present in population databases (gnomAD no frequency). This variant has not been reported in the literature in individuals affected with OFD1-related conditions. Algorithms developed to predict the effect of missense changes on protein structure and function are either unavailable or do not agree on the potential impact of this missense change (SIFT: "Tolerated"; PolyPhen-2: "Probably Damaging"; Align-GVGD: "Class C0"). In summary, the available evidence is currently insufficient to determine the role of this variant in disease. Therefore, it has been classified as a Variant of Uncertain Significance.